The following is an entry in ClinVar:

NM_000135.4(FANCA):c.2464C>A (p.Leu822Met)

Gene: FANCA (FA complementation group A; minus strand). Cytogenetic location: 16q24.3.
Variant type: single nucleotide variant.
Coding change: c.2464C>A on transcript NM_000135.4 (MANE Select); coding-DNA position 2464, C replaced by A.
Protein change: p.Leu822Met; replaces leucine 822 with methionine.
Molecular consequence: missense variant.
Genome position (GRCh38, 1-based): chr16:89,769,877, G>T on the plus strand (C>A on the coding strand, the complement: FANCA is on the minus strand). VCF-style: chr16-89769877-G-T. GRCh37 (hg19) VCF-style: chr16-89836285-G-T.
Other names: c.2464C>A, p.Leu822Met (NM_001286167.3); c.2464C>A (NM_000135.3); short protein forms L822M.
Identifiers: ClinVar variation 3848238 (VCV003848238.2).

ClinVar aggregate classification (germline): Uncertain significance. Review status: criteria provided, single submitter (1 of 4 stars). 2 submissions from 2 submitters: Uncertain significance (1). 1 of the submissions does not count toward it. Last evaluated 2025-02-15.

Conditions:
Fanconi anemia (FA). Also called: Fanconi's anemia. Identifiers: Orphanet 84, MedGen C0015625, MeSH D005199, MONDO:0019391.
Inborn genetic diseases. Identifiers: MedGen C0950123, MeSH D030342.

Submissions (2):

Ambry Genetics
Classification: Uncertain significance for Inborn genetic diseases. Last evaluated: 2025-02-15. Review status: criteria provided, single submitter. Criteria: Ambry Variant Classification Scheme 2023. Collection method: clinical testing. Allele origin: germline.
Comment: The p.L822M variant (also known as c.2464C>A), located in coding exon 26 of the FANCA gene, results from a C to A substitution at nucleotide position 2464. The leucine at codon 822 is replaced by methionine, an amino acid with highly similar properties. This amino acid position is conserved. In addition, the in silico prediction for this alteration is inconclusive. Based on the available evidence, the clinical significance of this variant remains unclear.

Natera, Inc.
Classification: Uncertain significance for Fanconi anemia. Last evaluated: 2025-02-17. Review status: no assertion criteria provided. Collection method: clinical testing. Allele origin: germline. Not counted in ClinVar's aggregate classification.